The following is an entry in ClinVar:

ClinVar aggregate classification (germline): Pathogenic (1 of 4 stars; one submission).

gnomAD v4.1: 6 of 1,614,128 alleles (0.00037%); highest among the groups gnomAD compares: South Asian, 0.0011%; no homozygotes.

Submission:

Labcorp Genetics (formerly Invitae), Labcorp
Classification: Pathogenic. Last evaluated: 2024-06-05. Review status: criteria provided, single submitter. Criteria: Invitae Variant Classification Sherloc (09022015). Collection method: clinical testing. Allele origin: germline.
Comment: This sequence change replaces glycine, which is neutral and non-polar, with arginine, which is basic and polar, at codon 110 of the SLC45A2 protein (p.Gly110Arg). This variant is present in population databases (rs762813061, gnomAD 0.003%). This missense change has been observed in individual(s) with ocular albinism (PMID: 19865097, 31199599, 34838614). Advanced modeling of protein sequence and biophysical properties (such as structural, functional, and spatial information, amino acid conservation, physicochemical variation, residue mobility, and thermodynamic stability) performed at Invitae indicates that this missense variant is expected to disrupt SLC45A2 protein function with a positive predictive value of 80%. For these reasons, this variant has been classified as Pathogenic.

Literature cited by the submitters: PubMed 19865097; PubMed 31199599; PubMed 34838614.

NM_016180.5(SLC45A2):c.328G>A (p.Gly110Arg)

Gene: SLC45A2 (solute carrier family 45 member 2; minus strand). Cytogenetic location: 5p13.2.
Variant type: single nucleotide variant.
Coding change: c.328G>A on transcript NM_016180.5 (MANE Select); coding-DNA position 328, G replaced by A.
Protein change: p.Gly110Arg; replaces glycine 110 with arginine.
Molecular consequence: missense variant.
Genome position (GRCh38, 1-based): chr5:33,984,256, C>T on the plus strand (G>A on the coding strand, the complement: SLC45A2 is on the minus strand). VCF-style: chr5-33984256-C-T. GRCh37 (hg19) VCF-style: chr5-33984361-C-T.
Other names: c.328G>A, p.Gly110Arg (NM_001012509.4, NM_001297417.4); short protein forms G110R.
Identifiers: ClinVar variation 3720610 (VCV003720610.2).